The following is an entry in ClinVar:

NM_001040108.2(MLH3):c.3880A>G (p.Thr1294Ala)

Gene: MLH3 (mutL homolog 3; minus strand). Cytogenetic location: 14q24.3.
Variant type: single nucleotide variant.
Coding change: c.3880A>G on transcript NM_001040108.2 (MANE Select); coding-DNA position 3880, A replaced by G.
Protein change: p.Thr1294Ala; replaces threonine 1294 with alanine.
Molecular consequence: missense variant.
Genome position (GRCh38, 1-based): chr14:75,030,650, T>C on the plus strand (A>G on the coding strand, the complement: MLH3 is on the minus strand). VCF-style: chr14-75030650-T-C. GRCh37 (hg19) VCF-style: chr14-75497353-T-C.
Other names: c.3880A>G (NM_001040108.1); c.3808A>G, p.Thr1270Ala (NM_014381.3); short protein forms T1270A, T1294A.
Identifiers: ClinVar variation 1042813 (VCV001042813.12), dbSNP rs1386608856, ClinGen allele CA390422996.
Genomic context (GRCh38, chr14:75,030,650, plus strand): 5'-TGGCTTCTCTTTCCACAAAACATAGTGGTACTTTTCCCACAAGGACCAGAGAATCACTAG[T>C]GTCTGGAAATACAAATTCAAGGCCCAGATCTTCCAGATTTTTGTGGTAACACCTAAAGAG-3'
Protein context (NP_001035197.1, residues 1284-1304): DLGLEFVFPD[Thr1294Ala]SDSLVLVGKV

ClinVar aggregate classification (germline): Uncertain significance. Review status: criteria provided, multiple submitters, no conflicts (2 of 4 stars). 3 submissions from 3 submitters: Uncertain significance (3). Last evaluated 2025-06-10.

Conditions:
Colorectal cancer, hereditary nonpolyposis, type 7. Identifiers: Orphanet 144, MedGen C1858380, MONDO:0013725, OMIM 614385.
Colorectal cancer. Also called: Colorectal cancer, somatic; Malignant Colorectal Neoplasm. Identifiers: MedGen C0346629, MONDO:0005575, OMIM 114500.
Endometrial carcinoma. Also called: Endometrial carcinoma, somatic. Identifiers: MedGen C0476089, MONDO:0002447, OMIM 608089, HP:0012114.

Allele frequency attached by ClinVar (database versions not stated): TOPMed below 0.00001; gnomAD 0.00001; gnomAD exomes 0.00001.
gnomAD v4.1: 12 of 1,613,886 alleles (0.00074%); highest among the groups gnomAD compares: East Asian, 0.0045%; no homozygotes.

Submissions (3):

Ambry Genetics
Classification: Uncertain significance. Last evaluated: 2025-06-10. Review status: criteria provided, single submitter. Criteria: Ambry Variant Classification Scheme 2023. Collection method: clinical testing. Allele origin: germline.
Comment: The p.T1294A variant (also known as c.3880A>G), located in coding exon 8 of the MLH3 gene, results from an A to G substitution at nucleotide position 3880. The threonine at codon 1294 is replaced by alanine, an amino acid with similar properties. This amino acid position is not well conserved in available vertebrate species. In addition, this alteration is predicted to be tolerated by in silico analysis. The evidence for this gene-disease relationship is limited; therefore, the clinical significance of this alteration is unclear.

Labcorp Genetics (formerly Invitae), Labcorp
Classification: Uncertain significance for Colorectal cancer, hereditary nonpolyposis, type 7. Last evaluated: 2024-12-04. Review status: criteria provided, single submitter. Criteria: Invitae Variant Classification Sherloc (09022015). Collection method: clinical testing. Allele origin: germline.
Comment: This sequence change replaces threonine, which is neutral and polar, with alanine, which is neutral and non-polar, at codon 1294 of the MLH3 protein (p.Thr1294Ala). This variant is present in population databases (no rsID available, gnomAD 0.06%). This variant has not been reported in the literature in individuals affected with MLH3-related conditions. ClinVar contains an entry for this variant (Variation ID: 1042813). An algorithm developed to predict the effect of missense changes on protein structure and function outputs the following: PolyPhen-2: "Benign". The alanine amino acid residue is found in multiple mammalian species, which suggests that this missense change does not adversely affect protein function. In summary, the available evidence is currently insufficient to determine the role of this variant in disease. Therefore, it has been classified as a Variant of Uncertain Significance.

Department of Pathology and Laboratory Medicine, Sinai Health System
Classification: Uncertain significance for Colorectal cancer; Endometrial carcinoma; Colorectal cancer, hereditary nonpolyposis, type 7. Last evaluated: 2022-05-03. Review status: criteria provided, single submitter. Criteria: ACMG Guidelines, 2015. Collection method: clinical testing. Allele origin: germline. Affected: yes.